The following is an entry in ClinVar:

NM_001042681.2(RERE):c.70_73dup (p.Lys25fs)

Gene: RERE (arginine-glutamic acid dipeptide repeats; minus strand). Cytogenetic location: 1p36.23.
Variant type: Microsatellite.
Coding change: c.70_73dup on transcript NM_001042681.2 (MANE Select); coding-DNA positions 70 to 73, 4 bases duplicated (GAGA; older notation c.70_73dupGAGA).
Protein change: p.Lys25fs; shifts the reading frame from lysine 25.
Molecular consequence: frameshift variant.
Genome position (GRCh38, 1-based): chr1:8,656,225-8,656,228, TCTC duplicated on the plus strand (GAGA on the coding strand, the reverse complement: RERE is on the minus strand); duplicating any 4 consecutive bases within chr1:8,656,225-8,656,236 gives the same sequence; the c. name uses the placement nearest the transcript's 3' end. VCF-style (leftmost placement, unchanged base first): chr1-8656224-T-TTCTC. GRCh37 (hg19) VCF-style: chr1-8716283-T-TTCTC.
Other names: c.70_73dup, p.Lys25fs (NM_012102.4); short protein forms K25fs.
Identifiers: ClinVar variation 1676519 (VCV001676519.3), dbSNP rs759541634, ClinGen allele CA2695246686.

ClinVar aggregate classification (germline): Likely pathogenic (1 of 4 stars; one submission).

Conditions:
Neurodevelopmental disorder with or without anomalies of the brain, eye, or heart (NEDBEH). Identifiers: Orphanet 494344, MedGen C5567477, MONDO:0014857, OMIM 616975.

Submission:

Greenwood Genetic Center Diagnostic Laboratories, Greenwood Genetic Center
Classification: Likely pathogenic for Neurodevelopmental disorder with or without anomalies of the brain, eye, or heart. Last evaluated: 2022-01-13. Review status: criteria provided, single submitter. Criteria: ACMG Guidelines, 2015. Collection method: clinical testing. Allele origin: germline. Affected: yes.
Comment: PS2, PM2